The following is an entry in ClinVar:

ClinVar aggregate classification (germline): Uncertain significance. Review status: criteria provided, multiple submitters, no conflicts (2 of 4 stars). 3 submissions from 3 submitters: Uncertain significance (3). Last evaluated 2025-01-15.

Conditions:
Hereditary cancer-predisposing syndrome. Also called: Hereditary Cancer Syndrome; Tumor predisposition; Neoplastic Syndromes, Hereditary; Hereditary neoplastic syndrome. Identifiers: Orphanet 140162, MedGen C0027672, MeSH D009386, MONDO:0015356.
Hereditary diffuse gastric adenocarcinoma (HDGC). Also called: DIFFUSE GASTRIC AND LOBULAR BREAST CANCER SYNDROME. Identifiers: Orphanet 26106, MedGen C1708349, MONDO:0007648, OMIM 137215.

Submissions (3):

Ambry Genetics
Classification: Uncertain significance for Hereditary cancer-predisposing syndrome. Last evaluated: 2025-01-15. Review status: criteria provided, single submitter. Criteria: Ambry Variant Classification Scheme 2023. Collection method: clinical testing. Allele origin: germline.
Comment: The p.T578S variant (also known as c.1732A>T), located in coding exon 12 of the CDH1 gene, results from an A to T substitution at nucleotide position 1732. The threonine at codon 578 is replaced by serine, an amino acid with similar properties. This amino acid position is highly conserved in available vertebrate species. In addition, this alteration is predicted to be tolerated by in silico analysis. Based on the available evidence, the clinical significance of this variant remains unclear.

Color Diagnostics, LLC DBA Color Health
Classification: Uncertain significance for Hereditary cancer-predisposing syndrome. Last evaluated: 2024-04-30. Review status: criteria provided, single submitter. Criteria: ACMG Guidelines, 2015. Collection method: clinical testing. Allele origin: germline.
Comment: This missense variant replaces threonine with serine at codon 578 of the CDH1 protein. To our knowledge, functional studies have not been reported for this variant. This variant has not been reported in individuals affected with CDH1-related disorders in the literature. This variant has not been identified in the general population by the Genome Aggregation Database (gnomAD). The available evidence is insufficient to determine the role of this variant in disease conclusively. Therefore, this variant is classified as a Variant of Uncertain Significance.

Labcorp Genetics (formerly Invitae), Labcorp
Classification: Uncertain significance for Hereditary diffuse gastric adenocarcinoma. Last evaluated: 2024-04-24. Review status: criteria provided, single submitter. Criteria: Invitae Variant Classification Sherloc (09022015). Collection method: clinical testing. Allele origin: germline.
Comment: This sequence change replaces threonine, which is neutral and polar, with serine, which is neutral and polar, at codon 578 of the CDH1 protein (p.Thr578Ser). This variant is not present in population databases (gnomAD no frequency). This variant has not been reported in the literature in individuals affected with CDH1-related conditions. ClinVar contains an entry for this variant (Variation ID: 647645). An algorithm developed to predict the effect of missense changes on protein structure and function (PolyPhen-2) suggests that this variant is likely to be tolerated. In summary, the available evidence is currently insufficient to determine the role of this variant in disease. Therefore, it has been classified as a Variant of Uncertain Significance.

NM_004360.5(CDH1):c.1732A>T (p.Thr578Ser)

Gene: CDH1 (cadherin 1; plus strand). Cytogenetic location: 16q22.1.
Variant type: single nucleotide variant.
Coding change: c.1732A>T on transcript NM_004360.5 (MANE Select); coding-DNA position 1732, A replaced by T.
Protein change: p.Thr578Ser; replaces threonine 578 with serine.
Molecular consequence: missense variant. On other transcripts: 5 prime UTR variant (1).
Genome position (GRCh38, 1-based): chr16:68,822,021, A>T. VCF-style: chr16-68822021-A-T. GRCh37 (hg19) VCF-style: chr16-68855924-A-T.
Other names: c.1732A>T (LRG_301t1); c.1549A>T, p.Thr517Ser (NM_001317184.2); c.184A>T, p.Thr62Ser (NM_001317185.2); c.-234A>T (NM_001317186.2); short protein forms T578S, T62S, T517S.
Identifiers: ClinVar variation 647645 (VCV000647645.15), dbSNP rs1596963360, ClinGen allele CA396466298.